The following is an entry in ClinVar:

NM_001376232.1(ZP2):c.357_358del (p.Arg119fs)

Gene: ZP2 (zona pellucida glycoprotein 2; minus strand). Cytogenetic location: 16p12.2.
Variant type: Microsatellite.
Coding change: c.357_358del on transcript NM_001376232.1 (MANE Select); coding-DNA positions 357 to 358, 2 bases deleted (AG; older notation c.357_358delAG).
Protein change: p.Arg119fs; shifts the reading frame from arginine 119.
Molecular consequence: frameshift variant. On other transcripts: non-coding transcript variant (1).
Genome position (GRCh38, 1-based): chr16:21,206,963-21,206,964, CT deleted on the plus strand (AG on the coding strand, the reverse complement: ZP2 is on the minus strand); deleting any 2 consecutive bases within chr16:21,206,963-21,206,966 gives the same sequence; the c. name uses the placement nearest the transcript's 3' end. VCF-style (leftmost placement, unchanged base first): chr16-21206962-ACT-A. GRCh37 (hg19) VCF-style: chr16-21218283-ACT-A.
Other names: c.357_358del, p.Arg119fs (NM_001376231.1, NM_001376233.1, NM_003460.2); c.357_358delAG (NM_001376232.1); short protein forms R119fs.
Identifiers: ClinVar variation 4849460 (VCV004849460.1).
Genomic context (GRCh38, chr16:21,206,962, plus strand): 5'-GCTGGACAGAAGAACTGATACATGACAGCTCCGTGTCTTAAGGCAGCACTGTTGTTCATG[ACT>A]CTGATGGTCATCTGGTGTCCACCATGCTGTGTACAGATAGCACAGTGGGAACAGAGTAAG-3'

ClinVar aggregate classification (germline): Likely pathogenic (1 of 4 stars; one submission).

Conditions:
Oocyte maturation defect 6. Also called: OOCYTE/ZYGOTE/EMBRYO MATURATION ARREST 6. Identifiers: MedGen C5193047, MONDO:0032696, OMIM 618353.

Submission:

First Genomix Gene Laboratory, Genetic Diagnostics Department
Classification: Likely pathogenic for Oocyte maturation defect 6. Last evaluated: 2025-06-04. Review status: criteria provided, single submitter. Criteria: ACMG Guidelines, 2015. Collection method: clinical testing. Allele origin: germline. Inheritance: Autosomal recessive inheritance. Affected: yes.